The following is an entry in ClinVar:

NM_001793.6(CDH3):c.*142C>T

Gene: CDH3 (cadherin 3; plus strand). Cytogenetic location: 16q22.1.
Variant type: single nucleotide variant.
Coding change: c.*142C>T on transcript NM_001793.6 (MANE Select); 142 bases downstream of the stop codon, C replaced by T.
Molecular consequence: 3 prime UTR variant.
Genome position (GRCh38, 1-based): chr16:68,698,542, C>T. VCF-style: chr16-68698542-C-T. GRCh37 (hg19) VCF-style: chr16-68732445-C-T.
Other names: c.*375C>T (NM_001317195.3); c.*142C>T (NM_001317196.2).
Identifiers: ClinVar variation 888065 (VCV000888065.4), dbSNP rs571959258, ClinGen allele CA283291716.

ClinVar aggregate classification (germline): Likely benign (1 of 4 stars; one submission).

Conditions:
EEM syndrome (EEMS). Identifiers: Orphanet 1897, MedGen C1857041, MONDO:0009155, OMIM 225280.

Allele frequency attached by ClinVar (database versions not stated): gnomAD 0.00016 and 0.00024; TOPMed 0.00036; gnomAD exomes 0.00042; 1000 Genomes Project 30x 0.00047; 1000 Genomes Project 0.00060.
gnomAD v4.1: 267 of 711,112 alleles (0.038%); highest among the groups gnomAD compares: East Asian, 0.51%; no homozygotes.

Submission:

Illumina Laboratory Services, Illumina
Classification: Likely benign for EEM syndrome. Last evaluated: 2018-01-12. Review status: criteria provided, single submitter. Criteria: ICSL Variant Classification Criteria 13 December 2019. Collection method: clinical testing. Allele origin: germline.
Comment: This variant was observed in the ICSL laboratory as part of a predisposition screen in an ostensibly healthy population. It had not been previously curated by ICSL or reported in the Human Gene Mutation Database (HGMD: prior to June 1st, 2018), and was therefore a candidate for classification through an automated scoring system. Utilizing variant allele frequency, disease prevalence and penetrance estimates, and inheritance mode, an automated score was calculated to assess if this variant is too frequent to cause the disease. Based on the score and internal cut-off values, a variant classified as likely benign is not then subjected to further curation. The score for this variant resulted in a classification of likely benign for this disease.